The following is an entry in ClinVar:

ClinVar aggregate classification (germline): Uncertain significance (1 of 4 stars; one submission).

Submission:

Women's Health and Genetics/Laboratory Corporation of America, LabCorp
Classification: Uncertain significance. Last evaluated: 2025-11-05. Review status: criteria provided, single submitter. Criteria: LabCorp Variant Classification Summary - May 2015. Collection method: clinical testing. Allele origin: germline.
Comment: Variant summary: TUBB4A c.289G>A (p.Ala97Thr) results in a non-conservative amino acid change in the encoded protein sequence. Algorithms developed to predict the effect of missense changes on protein structure and function all suggest that this variant is likely to be disruptive. The variant was absent in 249414 control chromosomes. The available data on variant occurrences in the general population are insufficient to allow any conclusion about variant significance. To our knowledge, no occurrence of c.289G>A in individuals affected with TUBB4A-related conditions and no experimental evidence demonstrating its impact on protein function have been reported. No submitters have cited clinical-significance assessments for this variant to ClinVar. Based on the evidence outlined above, the variant was classified as uncertain significance.

NM_006087.4(TUBB4A):c.289G>A (p.Ala97Thr)

Gene: TUBB4A (tubulin beta 4A class IVa; minus strand). Cytogenetic location: 19p13.3.
Variant type: single nucleotide variant.
Coding change: c.289G>A on transcript NM_006087.4 (MANE Select); coding-DNA position 289, G replaced by A.
Protein change: p.Ala97Thr; replaces alanine 97 with threonine.
Molecular consequence: missense variant.
Genome position (GRCh38, 1-based): chr19:6,496,210, C>T on the plus strand (G>A on the coding strand, the complement: TUBB4A is on the minus strand). VCF-style: chr19-6496210-C-T. GRCh37 (hg19) VCF-style: chr19-6496221-C-T.
Other names: c.442G>A, p.Ala148Thr (NM_001289123.2); c.424G>A, p.Ala142Thr (NM_001289127.2); c.289G>A, p.Ala97Thr (NM_001289129.2); c.73G>A, p.Ala25Thr (NM_001289130.2, NM_001289131.2); short protein forms A142T, A148T, A25T, A97T.
Identifiers: ClinVar variation 4537031 (VCV004537031.1).
Genomic context (GRCh38, chr19:6,496,210, plus strand): 5'-GGACAGCGTCCACCAGCTCTGCGCCCTCCGTGTAGTGCCCCTTTGCCCAGTTGTTGCCGG[C>T]TCCGGATTGGCCTAGAGAGGGAAGGGGAGGGGACACACATGCAGTTATGGGGAGCCCCAA-3'
Protein context (NP_006078.2, residues 87-107): PDNFVFGQSG[Ala97Thr]GNNWAKGHYT